The following is an entry in ClinVar:

NM_018062.4(FANCL):c.904-9_904-7del

Gene: FANCL (FA complementation group L; minus strand). Cytogenetic location: 2p16.1.
Variant type: Deletion.
Coding change: c.904-9_904-7del on transcript NM_018062.4 (MANE Select); 9 bases into the intron before coding-DNA position 904 through 7 bases into the intron before coding-DNA position 904, 3 bases deleted (CTT; older notation c.904-9_904-7delCTT).
Molecular consequence: intron variant.
Genome position (GRCh38, 1-based): chr2:58,161,645-58,161,647, AAG deleted on the plus strand (CTT on the coding strand, the reverse complement: FANCL is on the minus strand); deleting any 3 consecutive bases within chr2:58,161,645-58,161,649 gives the same sequence; the c. name uses the placement nearest the transcript's 3' end. VCF-style (leftmost placement, unchanged base first): chr2-58161644-AAAG-A. GRCh37 (hg19) VCF-style: chr2-58388779-AAAG-A.
Other names: c.949-9_949-7del (NM_001374615.1); c.919-9_919-7del (NM_001114636.2); c.964-9_964-7del (NM_001410792.1); c.904-9_904-7delCTT (NM_018062.3).
Identifiers: ClinVar variation 571495 (VCV000571495.7), dbSNP rs757041554, ClinGen allele CA1670382.
Genomic context (GRCh38, chr2:58,161,644, plus strand): 5'-GAATGGTACCGTCAAGTTGATAAGCATAACAAATTCCACAATCCATAGTAAAATCCTTCA[AAAG>A]AAAAATATTTATAAAAAGCGTATGTGTCTCACTAACTTATTCGTTGTACATATTTGGGAG-3'

ClinVar aggregate classification (germline): Uncertain significance (1 of 4 stars; one submission).

Conditions:
Fanconi anemia (FA). Also called: Fanconi's anemia. Identifiers: Orphanet 84, MedGen C0015625, MeSH D005199, MONDO:0019391.

Submission:

Labcorp Genetics (formerly Invitae), Labcorp
Classification: Uncertain significance for Fanconi anemia. Last evaluated: 2025-10-21. Review status: criteria provided, single submitter. Criteria: Invitae Variant Classification Sherloc (09022015). Collection method: clinical testing. Allele origin: germline.
Comment: This sequence change falls in intron 11 of the FANCL gene. It does not directly change the encoded amino acid sequence of the FANCL protein. This variant is present in population databases (rs757041554, gnomAD 0.03%). This variant has not been reported in the literature in individuals affected with FANCL-related conditions. ClinVar contains an entry for this variant (Variation ID: 571495). Algorithms developed to predict the effect of sequence changes on RNA splicing suggest that this variant may disrupt the consensus splice site. In summary, the available evidence is currently insufficient to determine the role of this variant in disease. Therefore, it has been classified as a Variant of Uncertain Significance.